The following is an entry in ClinVar:

NM_005333.5(HCCS):c.330G>A (p.Pro110=)

Gene: HCCS (holocytochrome c synthase; plus strand). Cytogenetic location: Xp22.2.
Variant type: single nucleotide variant.
Coding change: c.330G>A on transcript NM_005333.5 (MANE Select); coding-DNA position 330, G replaced by A.
Protein change: p.Pro110=; no amino-acid change (proline 110 retained).
Molecular consequence: synonymous variant.
Genome position (GRCh38, 1-based): chrX:11,117,344, G>A. VCF-style: chrX-11117344-G-A. GRCh37 (hg19) VCF-style: chrX-11135464-G-A.
Other names: c.330G>A, p.Pro110= (NM_001122608.3, NM_001171991.3).
Identifiers: ClinVar variation 3257540 (VCV003257540.17).
Genomic context (GRCh38, chrX:11,117,344, plus strand): 5'-AACACCAGCTCCAGATCAGCCATTTGCATTGTCTACTGTCAGAGAAGAGTCATCCATTCC[G>A]AGAGCAGATTCAGAGAAAAAGTGGGTTTACCCTTCTGAGCAGATGTTCTGGAATGCAATG-3'
Protein context (NP_005324.3, residues 100-120): LSTVREESSI[Pro110=]RADSEKKWVY

ClinVar aggregate classification (germline): Likely benign (1 of 4 stars; one submission).

gnomAD v4.1: 106 of 1,206,649 alleles (0.0088%); highest among the groups gnomAD compares: Non-Finnish European, 0.011%; no homozygotes.

Submission:

CeGaT Center for Human Genetics Tuebingen
Classification: Likely benign. Last evaluated: 2024-07-01. Review status: criteria provided, single submitter. Criteria: CeGaT Center For Human Genetics Tuebingen Variant Classification Criteria Version 2. Collection method: clinical testing. Allele origin: germline. Affected: yes. Observed: 1 variant allele.
Comment: HCCS: BP4, BP7, BS2